The following is an entry in ClinVar:

ClinVar aggregate classification (germline): Uncertain significance (1 of 4 stars; one submission).

Conditions:
Progressive familial heart block type IB (PFHB1B). Identifiers: Orphanet 871, MedGen C1970298, MONDO:0011474, OMIM 604559.

Submission:

Labcorp Genetics (formerly Invitae), Labcorp
Classification: Uncertain significance for Progressive familial heart block type IB. Last evaluated: 2022-03-09. Review status: criteria provided, single submitter. Criteria: Invitae Variant Classification Sherloc (09022015). Collection method: clinical testing. Allele origin: germline.
Comment: In summary, the available evidence is currently insufficient to determine the role of this variant in disease. Therefore, it has been classified as a Variant of Uncertain Significance. Algorithms developed to predict the effect of missense changes on protein structure and function are either unavailable or do not agree on the potential impact of this missense change (SIFT: "Tolerated"; PolyPhen-2: "Possibly Damaging"; Align-GVGD: "Class C0"). This variant has not been reported in the literature in individuals affected with TRPM4-related conditions. This variant is not present in population databases (gnomAD no frequency). This sequence change replaces alanine, which is neutral and non-polar, with glycine, which is neutral and non-polar, at codon 231 of the TRPM4 protein (p.Ala231Gly).

NM_017636.4(TRPM4):c.692C>G (p.Ala231Gly)

Gene: TRPM4 (transient receptor potential cation channel subfamily M member 4; plus strand). Cytogenetic location: 19q13.33.
Variant type: single nucleotide variant.
Coding change: c.692C>G on transcript NM_017636.4 (MANE Select); coding-DNA position 692, C replaced by G.
Protein change: p.Ala231Gly; replaces alanine 231 with glycine.
Molecular consequence: missense variant. On other transcripts: 5 prime UTR variant (2).
Genome position (GRCh38, 1-based): chr19:49,168,632, C>G. VCF-style: chr19-49168632-C-G. GRCh37 (hg19) VCF-style: chr19-49671889-C-G.
Other names: c.692C>G, p.Ala231Gly (NM_001195227.2); c.347C>G, p.Ala116Gly (NM_001321281.2); c.-862C>G (NM_001321282.2); c.170C>G, p.Ala57Gly (NM_001321283.2); c.-158C>G (NM_001321285.2); short protein forms A116G, A57G, A231G.
Identifiers: ClinVar variation 1511641 (VCV001511641.8), dbSNP rs1196102913, ClinGen allele CA406792518.